The following is an entry in ClinVar:

ClinVar aggregate classification (germline): Pathogenic (1 of 4 stars; one submission).

Conditions:
Breast-ovarian cancer, familial, susceptibility to, 2 (BROVCA2). Also called: BRCA2 Hereditary Breast and Ovarian Cancer. Identifiers: Orphanet 145, MedGen C2675520, MONDO:0012933, OMIM 612555. Disease mechanism: loss of function.

Submission:

Myriad Genetics, Inc.
Classification: Pathogenic for Breast-ovarian cancer, familial, susceptibility to, 2. Last evaluated: 2024-05-30. Review status: criteria provided, single submitter. Criteria: Myriad Autosomal Dominant, Autosomal Recessive and X-Linked Classification Criteria (2023). Collection method: clinical testing. Allele origin: unknown.
Comment: This variant is considered pathogenic. This variant creates a frameshift predicted to result in premature protein truncation.

NM_000059.4(BRCA2):c.5447dup (p.Ser1816fs)

Gene: BRCA2 (BRCA2 DNA repair associated; plus strand). Cytogenetic location: 13q13.1.
Variant type: Duplication.
Coding change: c.5447dup on transcript NM_000059.4 (MANE Select); coding-DNA position 5447, one base duplicated (G; older notation c.5447dupG).
Protein change: p.Ser1816fs; shifts the reading frame from serine 1816.
Molecular consequence: frameshift variant. On other transcripts: non-coding transcript variant (1), intron variant (2).
Genome position (GRCh38, 1-based): chr13:32,339,802, G duplicated. VCF-style (leftmost placement, unchanged base first): chr13-32339801-A-AG. GRCh37 (hg19) VCF-style: chr13-32913938-A-AG.
Other names: c.5447dup, p.Ser1816fs (NM_001406719.1, NM_001406720.1); c.1910-4756dup (NM_001406721.1); c.425-4756dup (NM_001406722.1); short protein forms S1816fs.
Identifiers: ClinVar variation 3254398 (VCV003254398.1), dbSNP rs2548530837.